The following is an entry in ClinVar:

NM_000245.4(MET):c.3378C>T (p.Thr1126=)

Gene: MET (MET proto-oncogene, receptor tyrosine kinase; plus strand). Cytogenetic location: 7q31.2.
Variant type: single nucleotide variant.
Coding change: c.3378C>T on transcript NM_000245.4 (MANE Select); coding-DNA position 3378, C replaced by T.
Protein change: p.Thr1126=; no amino-acid change (threonine 1126 retained).
Molecular consequence: synonymous variant.
Genome position (GRCh38, 1-based): chr7:116,778,813, C>T. VCF-style: chr7-116778813-C-T. GRCh37 (hg19) VCF-style: chr7-116418867-C-T.
Other names: c.3432C>T, p.Thr1144= (NM_001127500.3); c.2088C>T, p.Thr696= (NM_001324402.2); c.3432C>T (NM_001127500.2).
Identifiers: ClinVar variation 672305 (VCV000672305.20), dbSNP rs201111132, ClinGen allele CA4448715.

ClinVar aggregate classification (germline): Benign/Likely benign. Review status: criteria provided, multiple submitters, no conflicts (2 of 4 stars). 6 submissions from 6 submitters: Benign (1); Likely benign (4). 1 of the submissions does not count toward it. Last evaluated 2026-02-02.

Conditions:
Renal cell carcinoma. Identifiers: Orphanet 217071, MedGen C0007134, MeSH D002292, MONDO:0005086, HP:0005584.
Papillary renal cell carcinoma type 1 (RCCP1). Also called: RENAL CELL CARCINOMA, PAPILLARY, 1, SOMATIC; Renal adenocarcinoma; Renal cell carcinoma 1; Renal cell carcinoma, somatic. Identifiers: Orphanet 47044, MedGen C1336839, OMIM 605074, HP:0011797.
Hereditary cancer-predisposing syndrome. Also called: Neoplastic Syndromes, Hereditary; Tumor predisposition; Hereditary neoplastic syndrome; Hereditary Cancer Syndrome. Identifiers: Orphanet 140162, MedGen C0027672, MeSH D009386, MONDO:0015356.
MET-related disorder. Also called: MET-related condition.

Allele frequency attached by ClinVar (database versions not stated): ExAC 0.00001; gnomAD 0.00002; gnomAD exomes 0.00003.
gnomAD v4.1: 19 of 1,613,854 alleles (0.0012%); highest among the groups gnomAD compares: Middle Eastern, 0.017%; no homozygotes.

Submissions (6):

Labcorp Genetics (formerly Invitae), Labcorp
Classification: Likely benign for Renal cell carcinoma. Last evaluated: 2026-02-02. Review status: criteria provided, single submitter. Criteria: Invitae Variant Classification Sherloc (09022015). Collection method: clinical testing. Allele origin: germline.

Myriad Genetics, Inc.
Classification: Benign for Papillary renal cell carcinoma type 1. Last evaluated: 2024-11-13. Review status: criteria provided, single submitter. Criteria: Myriad Autosomal Dominant, Autosomal Recessive and X-Linked Classification Criteria (2023). Collection method: clinical testing. Allele origin: unknown.
Comment: This variant is considered benign. This variant is a silent/synonymous amino acid change and it is not expected to impact splicing.

Sema4
Classification: Likely benign for Hereditary cancer-predisposing syndrome. Last evaluated: 2021-10-18. Review status: criteria provided, single submitter. Criteria: Sema4 Curation Guidelines. Collection method: curation. Allele origin: germline.

Ambry Genetics
Classification: Likely benign for Hereditary cancer-predisposing syndrome. Last evaluated: 2019-09-29. Review status: criteria provided, single submitter. Criteria: Ambry Variant Classification Scheme 2023. Collection method: clinical testing. Allele origin: germline.

GeneDx
Classification: Likely benign. Last evaluated: 2018-06-14. Review status: criteria provided, single submitter. Criteria: GeneDx Variant Classification (06012015). Collection method: clinical testing. Allele origin: germline. Affected: yes.
Comment: This variant is considered likely benign or benign based on one or more of the following criteria: it is a conservative change, it occurs at a poorly conserved position in the protein, it is predicted to be benign by multiple in silico algorithms, and/or has population frequency not consistent with disease.

PreventionGenetics, part of Exact Sciences
Classification: Likely benign for MET-related condition. Last evaluated: 2019-09-26. Review status: no assertion criteria provided. Collection method: clinical testing. Allele origin: germline. Not counted in ClinVar's aggregate classification.
Comment: This variant is classified as likely benign based on ACMG/AMP sequence variant interpretation guidelines (Richards et al. 2015 PMID: 25741868, with internal and published modifications).